The following is an entry in ClinVar:

NM_201596.3(CACNB2):c.214-899C>G

Gene: CACNB2 (calcium voltage-gated channel auxiliary subunit beta 2; plus strand). Cytogenetic location: 10p12.31.
Variant type: single nucleotide variant.
Coding change: c.214-899C>G on transcript NM_201596.3 (MANE Select); 899 bases into the intron before coding-DNA position 214, C replaced by G.
Molecular consequence: intron variant. On other transcripts: 5 prime UTR variant (2).
Genome position (GRCh38, 1-based): chr10:18,401,025, C>G. VCF-style: chr10-18401025-C-G. GRCh37 (hg19) VCF-style: chr10-18689954-C-G.
Other names: c.-7C>G (NM_001410882.1, NM_201570.3); c.130-899C>G (NM_201571.4, NM_001167945.2, NM_201572.4); c.214-899C>G (NM_201593.3, NM_201597.3); c.49-899C>G (NM_000724.4, NM_001330060.2); c.52-899C>G (NM_201590.3).
Identifiers: ClinVar variation 4990163 (VCV004990163.1).

ClinVar aggregate classification (germline): Likely benign (1 of 4 stars; one submission).

Conditions:
CACNB2-related disorder. Also called: CACNB2-related condition.

gnomAD v4.1: 63 of 1,614,020 alleles (0.0039%); highest among the groups gnomAD compares: Non-Finnish European, 0.0047%; no homozygotes.

Submission:

PreventionGenetics, part of Exact Sciences
Classification: Likely benign for CACNB2-related condition. Last evaluated: 2025-09-15. Review status: criteria provided, single submitter. Criteria: ACMG Guidelines, 2015. Collection method: clinical testing. Allele origin: germline.
Comment: This variant is classified as likely benign based on ACMG/AMP sequence variant interpretation guidelines (Richards et al. 2015 PMID: 25741868, with internal and published modifications).